The following is an entry in ClinVar:

NM_001144758.3(PHLDB1):c.1345C>T (p.Arg449Trp)

Gene: PHLDB1 (pleckstrin homology like domain family B member 1; plus strand). Cytogenetic location: 11q23.3.
Variant type: single nucleotide variant.
Coding change: c.1345C>T on transcript NM_001144758.3 (MANE Select); coding-DNA position 1345, C replaced by T.
Protein change: p.Arg449Trp; replaces arginine 449 with tryptophan.
Molecular consequence: missense variant.
Genome position (GRCh38, 1-based): chr11:118,628,168, C>T. VCF-style: chr11-118628168-C-T. GRCh37 (hg19) VCF-style: chr11-118498884-C-T.
Other names: c.1345C>T, p.Arg449Trp (NM_001144759.3, NM_015157.4); short protein forms R449W.
Identifiers: ClinVar variation 4995371 (VCV004995371.1).

ClinVar aggregate classification (germline): Likely benign (1 of 4 stars; one submission).

Conditions:
PHLDB1-related condition.

gnomAD v4.1: 234 of 1,613,950 alleles (0.014%); highest among the groups gnomAD compares: Non-Finnish European, 0.0064%; no homozygotes.

Submission:

PreventionGenetics, part of Exact Sciences
Classification: Likely benign for PHLDB1-related condition. Last evaluated: 2026-01-23. Review status: criteria provided, single submitter. Criteria: ACMG Guidelines, 2015. Collection method: clinical testing. Allele origin: germline.
Comment: This variant is classified as likely benign based on ACMG/AMP sequence variant interpretation guidelines (Richards et al. 2015 PMID: 25741868, with internal and published modifications).